The following is an entry in ClinVar:

NM_006206.6(PDGFRA):c.724G>A (p.Val242Met)

Gene: PDGFRA (platelet derived growth factor receptor alpha; plus strand). Cytogenetic location: 4q12.
Variant type: single nucleotide variant.
Coding change: c.724G>A on transcript NM_006206.6 (MANE Select); coding-DNA position 724, G replaced by A.
Protein change: p.Val242Met; replaces valine 242 with methionine.
Molecular consequence: missense variant.
Genome position (GRCh38, 1-based): chr4:54,265,014, G>A. VCF-style: chr4-54265014-G-A. GRCh37 (hg19) VCF-style: chr4-55131181-G-A.
Other names: c.724G>A, p.Val242Met (NM_001347827.2, NM_001347829.2); c.799G>A, p.Val267Met (NM_001347828.2); c.763G>A, p.Val255Met (NM_001347830.2); short protein forms V255M, V267M, V242M.
Identifiers: ClinVar variation 945051 (VCV000945051.11), dbSNP rs1324568225, ClinGen allele CA356890956.
Genomic context (GRCh38, chr4:54,265,014, plus strand): 5'-AAAACCGTGTATAAGTCAGGGGAAACGATTGTGGTCACCTGTGCTGTTTTTAACAATGAG[G>A]TGGTTGACCTTCAATGGACTTACCCTGGAGAAGTGGTAGGTACCCTCAAAACGTGCAATG-3'
Protein context (NP_006197.1, residues 232-252): VVTCAVFNNE[Val242Met]VDLQWTYPGE

ClinVar aggregate classification (germline): Uncertain significance. Review status: criteria provided, multiple submitters, no conflicts (2 of 4 stars). 2 submissions from 2 submitters: Uncertain significance (2). Last evaluated 2025-11-10.

Conditions:
Hereditary cancer-predisposing syndrome. Also called: Hereditary neoplastic syndrome; Neoplastic Syndromes, Hereditary; Hereditary Cancer Syndrome; Tumor predisposition. Identifiers: Orphanet 140162, MedGen C0027672, MeSH D009386, MONDO:0015356.
Gastrointestinal stromal tumor. Also called: Gastrointestinal stromal tumor, somatic; Gastrointestinal stroma tumor. Identifiers: Orphanet 44890, MedGen C0238198, MeSH D046152, MONDO:0011719, OMIM 606764, HP:0100723.

Allele frequency attached by ClinVar (database versions not stated): gnomAD exomes below 0.00001.
gnomAD v4.1: 1 of 1,613,784 alleles (0.000062%); highest among the groups gnomAD compares: Non-Finnish European, 0.000085%; no homozygotes.

Submissions (2):

Labcorp Genetics (formerly Invitae), Labcorp
Classification: Uncertain significance for Gastrointestinal stromal tumor. Last evaluated: 2025-11-10. Review status: criteria provided, single submitter. Criteria: Invitae Variant Classification Sherloc (09022015). Collection method: clinical testing. Allele origin: germline.
Comment: This sequence change replaces valine, which is neutral and non-polar, with methionine, which is neutral and non-polar, at codon 242 of the PDGFRA protein (p.Val242Met). This variant is present in population databases (no rsID available, gnomAD 0.0009%). This variant has not been reported in the literature in individuals affected with PDGFRA-related conditions. ClinVar contains an entry for this variant (Variation ID: 945051). Invitae Evidence Modeling of protein sequence and biophysical properties (such as structural, functional, and spatial information, amino acid conservation, physicochemical variation, residue mobility, and thermodynamic stability) indicates that this missense variant is not expected to disrupt PDGFRA protein function with a negative predictive value of 80%. In summary, the available evidence is currently insufficient to determine the role of this variant in disease. Therefore, it has been classified as a Variant of Uncertain Significance.

Ambry Genetics
Classification: Uncertain significance for Hereditary cancer-predisposing syndrome. Last evaluated: 2025-07-03. Review status: criteria provided, single submitter. Criteria: Ambry Variant Classification Scheme 2023. Collection method: clinical testing. Allele origin: germline.
Comment: The p.V242M variant (also known as c.724G>A), located in coding exon 4 of the PDGFRA gene, results from a G to A substitution at nucleotide position 724. The valine at codon 242 is replaced by methionine, an amino acid with highly similar properties. This amino acid position is conserved. In addition, this alteration is predicted to be tolerated by in silico analysis. Based on the available evidence, the clinical significance of this variant remains unclear.